The following is an entry in ClinVar:

NM_000051.4(ATM):c.5675-17A>T

Gene: ATM (ATM serine/threonine kinase; plus strand). Cytogenetic location: 11q22.3.
Variant type: single nucleotide variant.
Coding change: c.5675-17A>T on transcript NM_000051.4 (MANE Select); 17 bases into the intron before coding-DNA position 5675, A replaced by T.
Molecular consequence: intron variant.
Genome position (GRCh38, 1-based): chr11:108,307,880, A>T. VCF-style: chr11-108307880-A-T. GRCh37 (hg19) VCF-style: chr11-108178607-A-T.
Other names: c.5675-17A>T (NM_001351834.2).
Identifiers: ClinVar variation 3254196 (VCV003254196.1), dbSNP rs2547004630.

ClinVar aggregate classification (germline): Likely benign (1 of 4 stars; one submission).

Conditions:
Familial cancer of breast. Also called: BREAST CANCER, FAMILIAL; Hereditary breast cancer; hereditary breast carcinoma. Identifiers: Orphanet 227535, MedGen C0346153, MONDO:0016419, OMIM 114480. Disease mechanism: loss of function.

Allele frequency attached by ClinVar (database versions not stated): gnomAD exomes below 0.00001.
gnomAD v4.1: 1 of 1,594,358 alleles (0.000063%); highest among the groups gnomAD compares: Non-Finnish European, 0.000086%; no homozygotes.

Submission:

Myriad Genetics, Inc.
Classification: Likely benign for Familial cancer of breast. Last evaluated: 2024-05-24. Review status: criteria provided, single submitter. Criteria: Myriad Autosomal Dominant, Autosomal Recessive and X-Linked Classification Criteria (2023). Collection method: clinical testing. Allele origin: unknown.
Comment: This variant is considered likely benign. This variant is intronic and is not expected to impact mRNA splicing.